The following is an entry in ClinVar:

NM_020366.4(RPGRIP1):c.732G>A (p.Met244Ile)

Gene: RPGRIP1 (RPGR interacting protein 1; plus strand). Cytogenetic location: 14q11.2.
Variant type: single nucleotide variant.
Coding change: c.732G>A on transcript NM_020366.4 (MANE Select); coding-DNA position 732, G replaced by A.
Protein change: p.Met244Ile; replaces methionine 244 with isoleucine.
Molecular consequence: missense variant.
Genome position (GRCh38, 1-based): chr14:21,303,475, G>A. VCF-style: chr14-21303475-G-A. GRCh37 (hg19) VCF-style: chr14-21771634-G-A.
Other names: short protein forms M244I.
Identifiers: ClinVar variation 1408354 (VCV001408354.4), dbSNP rs1881127716, ClinGen allele CA388860772.
Genomic context (GRCh38, chr14:21,303,475, plus strand): 5'-CCACATCATGGCCAGCAATACCATGCAAGTGGAAGAGCCACCCAAGTCTCCTGAGAAAAT[G>A]TGGCCTAAAGATGAAAATTTTGAACAGAGAAGCTCATTGGAGTGTGCTCAGAAGGCTGCA-3'
Protein context (NP_065099.3, residues 234-254): VEEPPKSPEK[Met244Ile]WPKDENFEQR

ClinVar aggregate classification (germline): Uncertain significance (1 of 4 stars; one submission).

Conditions:
Cone-rod dystrophy 13 (CORD13). Identifiers: Orphanet 1872, MedGen C2750720, MONDO:0011987, OMIM 608194.
Leber congenital amaurosis 6 (LCA6). Identifiers: Orphanet 65, MedGen C1854260, MONDO:0013446, OMIM 613826.

Allele frequency attached by ClinVar (database versions not stated): TOPMed below 0.00001.

Submission:

Labcorp Genetics (formerly Invitae), Labcorp
Classification: Uncertain significance for Leber congenital amaurosis 6; Cone-rod dystrophy 13. Last evaluated: 2021-11-01. Review status: criteria provided, single submitter. Criteria: Invitae Variant Classification Sherloc (09022015). Collection method: clinical testing. Allele origin: germline.
Comment: This sequence change replaces methionine, which is neutral and non-polar, with isoleucine, which is neutral and non-polar, at codon 244 of the RPGRIP1 protein (p.Met244Ile). This variant is not present in population databases (gnomAD no frequency). This variant has not been reported in the literature in individuals affected with RPGRIP1-related conditions. Algorithms developed to predict the effect of missense changes on protein structure and function output the following: SIFT: "Tolerated"; PolyPhen-2: "Benign"; Align-GVGD: "Class C0". The isoleucine amino acid residue is found in multiple mammalian species, which suggests that this missense change does not adversely affect protein function. In summary, the available evidence is currently insufficient to determine the role of this variant in disease. Therefore, it has been classified as a Variant of Uncertain Significance.